The following is an entry in ClinVar:

ClinVar aggregate classification (germline): Benign. Review status: criteria provided, multiple submitters, no conflicts (2 of 4 stars). 3 submissions from 3 submitters: Benign (3). Last evaluated 2022-07-01.

Conditions:
Atypical hemolytic-uremic syndrome with thrombomodulin anomaly. Also called: HEMOLYTIC UREMIC SYNDROME, ATYPICAL, SUSCEPTIBILITY TO, 6; AHUS, SUSCEPTIBILITY TO, 6. Identifiers: MedGen C2752036, MONDO:0013044, OMIM 612926. Disease mechanism: gain of function.

Allele frequency attached by ClinVar (database versions not stated): 1000 Genomes Project 0.00020; gnomAD 0.00058 and 0.00059; ESP Exome Variant Server 0.00070; gnomAD exomes 0.00072 and 0.00083; TOPMed 0.00076; ExAC 0.00098.

Submissions (3):

CeGaT Center for Human Genetics Tuebingen
Classification: Benign. Last evaluated: 2022-07-01. Review status: criteria provided, single submitter. Criteria: CeGaT Center For Human Genetics Tuebingen Variant Classification Criteria Version 2. Collection method: clinical testing. Allele origin: germline. Affected: yes. Observed: 1 variant allele.
Comment: THBD: BS1, BS2

Illumina Laboratory Services, Illumina
Classification: Benign for Atypical hemolytic-uremic syndrome with thrombomodulin anomaly. Last evaluated: 2018-01-13. Review status: criteria provided, single submitter. Criteria: ICSL Variant Classification Criteria 13 December 2019. Collection method: clinical testing. Allele origin: germline.
Comment: This variant was observed in the ICSL laboratory as part of a predisposition screen in an ostensibly healthy population. It had not been previously curated by ICSL or reported in the Human Gene Mutation Database (HGMD: prior to June 1st, 2018), and was therefore a candidate for classification through an automated scoring system. Utilizing variant allele frequency, disease prevalence and penetrance estimates, and inheritance mode, an automated score was calculated to assess if this variant is too frequent to cause the disease. Based on the score and internal cut-off values, a variant classified as benign is not then subjected to further curation. The score for this variant resulted in a classification of benign for this disease.

Breakthrough Genomics
Classification: Benign. Review status: criteria provided, single submitter. Criteria: ACMG Guidelines, 2015. Collection method: not provided. Allele origin: germline. Inheritance: Autosomal dominant inheritance. Affected: yes.

NM_000361.3(THBD):c.*41T>C

Gene: THBD (thrombomodulin; minus strand). Cytogenetic location: 20p11.21.
Variant type: single nucleotide variant.
Coding change: c.*41T>C on transcript NM_000361.3 (MANE Select); 41 bases downstream of the stop codon, T replaced by C.
Molecular consequence: 3 prime UTR variant.
Genome position (GRCh38, 1-based): chr20:23,047,736, A>G on the plus strand (T>C on the coding strand, the complement: THBD is on the minus strand). VCF-style: chr20-23047736-A-G. GRCh37 (hg19) VCF-style: chr20-23028373-A-G.
Identifiers: ClinVar variation 337879 (VCV000337879.37), dbSNP rs377311614, ClinGen allele CA9787494.
Genomic context (GRCh38, chr20:23,047,736, plus strand): 5'-TCTTCTCCAGCTGTAATGCCAGCTAAGGTGCTTTGGTAGCAAAGCTGGGGGTGAGGAGGC[A>G]CAGGCTCCTGGACGGAGCCAGGCTCCTGGACGGAGGCCGCTCAGAGTCTCTGCGGCGTCC-3'